The following is an entry in ClinVar:

ClinVar aggregate classification (germline): Uncertain significance. Review status: criteria provided, multiple submitters, no conflicts (2 of 4 stars). 2 submissions from 2 submitters: Uncertain significance (2). Last evaluated 2026-01-16.

Conditions:
POLD1-related polyposis and colorectal cancer syndrome (CRCS10). Also called: Colorectal cancer 10; COLORECTAL CANCER, SUSCEPTIBILITY TO, ON CHROMOSOME 19q; Colorectal cancer, susceptibility to, 10. Identifiers: Orphanet 220460, MedGen C2675481, MONDO:0012953, OMIM 612591.
Hereditary cancer-predisposing syndrome. Also called: Hereditary neoplastic syndrome; Tumor predisposition; Neoplastic Syndromes, Hereditary; Hereditary Cancer Syndrome. Identifiers: Orphanet 140162, MedGen C0027672, MeSH D009386, MONDO:0015356.

Allele frequency attached by ClinVar (database versions not stated): gnomAD exomes below 0.00001; TOPMed below 0.00001; ExAC 0.00001.
gnomAD v4.1: 2 of 1,610,308 alleles (0.00012%); highest among the groups gnomAD compares: Non-Finnish European, 0.00017%; no homozygotes.

Submissions (2):

Labcorp Genetics (formerly Invitae), Labcorp
Classification: Uncertain significance for POLD1-related polyposis and colorectal cancer syndrome. Last evaluated: 2026-01-16. Review status: criteria provided, single submitter. Criteria: Invitae Variant Classification Sherloc (09022015). Collection method: clinical testing. Allele origin: germline.
Comment: This sequence change replaces histidine, which is basic and polar, with asparagine, which is neutral and polar, at codon 785 of the POLD1 protein (p.His785Asn). This variant is present in population databases (rs770368541, gnomAD 0.0009%). This variant has not been reported in the literature in individuals affected with POLD1-related conditions. ClinVar contains an entry for this variant (Variation ID: 950806). Invitae Evidence Modeling of protein sequence and biophysical properties (such as structural, functional, and spatial information, amino acid conservation, physicochemical variation, residue mobility, and thermodynamic stability) indicates that this missense variant is not expected to disrupt POLD1 protein function with a negative predictive value of 80%. Algorithms developed to predict the effect of sequence changes on RNA splicing suggest that this variant may disrupt the consensus splice site. In summary, the available evidence is currently insufficient to determine the role of this variant in disease. Therefore, it has been classified as a Variant of Uncertain Significance.

Ambry Genetics
Classification: Uncertain significance for Hereditary cancer-predisposing syndrome. Last evaluated: 2025-06-05. Review status: criteria provided, single submitter. Criteria: Ambry Variant Classification Scheme 2023. Collection method: clinical testing. Allele origin: germline.
Comment: The p.H785N variant (also known as c.2353C>A), located in coding exon 18 of the POLD1 gene, results from a C to A substitution at nucleotide position 2353. The histidine at codon 785 is replaced by asparagine, an amino acid with similar properties. This amino acid position is highly conserved in available vertebrate species. In addition, this alteration is predicted to be tolerated by in silico analysis. Based on the available evidence, the clinical significance of this variant remains unclear.

NM_002691.4(POLD1):c.2353C>A (p.His785Asn)

Gene: POLD1 (DNA polymerase delta 1, catalytic subunit; plus strand). Cytogenetic location: 19q13.33.
Variant type: single nucleotide variant.
Coding change: c.2353C>A on transcript NM_002691.4 (MANE Select); coding-DNA position 2353, C replaced by A.
Protein change: p.His785Asn; replaces histidine 785 with asparagine.
Molecular consequence: missense variant. On other transcripts: non-coding transcript variant (1).
Genome position (GRCh38, 1-based): chr19:50,413,844, C>A. VCF-style: chr19-50413844-C-A. GRCh37 (hg19) VCF-style: chr19-50917101-C-A.
Other names: c.2353C>A, p.His785Asn (NM_001256849.1); c.2431C>A, p.His811Asn (NM_001308632.1); c.2353C>A (NM_002691.2); short protein forms H785N, H811N.
Identifiers: ClinVar variation 950806 (VCV000950806.10), dbSNP rs770368541, ClinGen allele CA9596491.
Genomic context (GRCh38, chr19:50,413,844, plus strand): 5'-GTGTCCTCGGTGGCTGAGGCGATGGCCCTGGGGCGGGAGGCCGCGGACTGGGTGTCAGGT[C>A]ACTTCCCGTCGCCCATCCGGCTGGAGTTTGAGAAGGTGCGTGGCTGGGTCAGGGGCTCTG-3'
Protein context (NP_002682.2, residues 775-795): GREAADWVSG[His785Asn]FPSPIRLEFE